The following is an entry in ClinVar:

NM_018418.5(SPATA7):c.723T>C (p.Thr241=)

Gene: SPATA7 (spermatogenesis associated 7; plus strand). Cytogenetic location: 14q31.3.
Variant type: single nucleotide variant.
Coding change: c.723T>C on transcript NM_018418.5 (MANE Select); coding-DNA position 723, T replaced by C.
Protein change: p.Thr241=; no amino-acid change (threonine 241 retained).
Molecular consequence: synonymous variant.
Genome position (GRCh38, 1-based): chr14:88,426,582, T>C. VCF-style: chr14-88426582-T-C. GRCh37 (hg19) VCF-style: chr14-88892926-T-C.
Other names: c.627T>C, p.Thr209= (NM_001040428.4); c.723T>C (NM_018418.4).
Identifiers: ClinVar variation 1539063 (VCV001539063.10), dbSNP rs538508060, ClinGen allele CA7298581.

ClinVar aggregate classification (germline): Likely benign. Review status: criteria provided, multiple submitters, no conflicts (2 of 4 stars). 3 submissions from 3 submitters: Likely benign (3). Last evaluated 2025-12-13.

Conditions:
Leber congenital amaurosis 3 (LCA3). Also called: SPATA7-Related Retinitis Pigmentosa. Identifiers: MedGen C1858677, MONDO:0011415, OMIM 604232.
SPATA7-related disorder. Also called: SPATA7-related condition; SPATA7-related disorders. Identifiers: MedGen CN239422.

Allele frequency attached by ClinVar (database versions not stated): gnomAD 0.00001 and 0.00002; TOPMed 0.00002; ExAC 0.00004; gnomAD exomes 0.00006.
gnomAD v4.1: 23 of 1,614,120 alleles (0.0014%); highest among the groups gnomAD compares: Admixed American, 0.035%; no homozygotes.

Submissions (3):

Labcorp Genetics (formerly Invitae), Labcorp
Classification: Likely benign for Leber congenital amaurosis 3. Last evaluated: 2025-12-13. Review status: criteria provided, single submitter. Criteria: Invitae Variant Classification Sherloc (09022015). Collection method: clinical testing. Allele origin: germline.

PreventionGenetics, part of Exact Sciences
Classification: Likely benign for SPATA7-related condition. Last evaluated: 2025-11-24. Review status: criteria provided, single submitter. Criteria: ACMG Guidelines, 2015. Collection method: clinical testing. Allele origin: germline.
Comment: This variant is classified as likely benign based on ACMG/AMP sequence variant interpretation guidelines (Richards et al. 2015 PMID: 25741868, with internal and published modifications).

Blueprint Genetics
Classification: Likely benign. Last evaluated: 2019-10-26. Review status: criteria provided, single submitter. Criteria: ACMG Guidelines, 2015. Collection method: clinical testing. Allele origin: germline.